The following is an entry in ClinVar:

NM_000551.4(VHL):c.340+784C>T

Genes: VHL (von Hippel-Lindau tumor suppressor; plus strand), LOC107303340 (3p25 von Hippel-Lindau tumor suppressor, E3 ubiquitin protein ligase Alu-mediated recombination region; plus strand). Cytogenetic location: 3p25.3.
Variant type: single nucleotide variant.
Coding change: c.340+784C>T on transcript NM_000551.4 (MANE Select); 784 bases into the intron after coding-DNA position 340, C replaced by T.
Molecular consequence: intron variant. On other transcripts: synonymous variant (1).
Genome position (GRCh38, 1-based): chr3:10,142,971, C>T. VCF-style: chr3-10142971-C-T. GRCh37 (hg19) VCF-style: chr3-10184655-C-T.
Other names: c.549C>T, p.His183= (NM_001354723.2); c.340+784C>T (NM_198156.3).
Identifiers: ClinVar variation 849770 (VCV000849770.12), dbSNP rs1696163787, ClinGen allele CA916081418.

ClinVar aggregate classification (germline): Uncertain significance (1 of 4 stars; one submission).

Conditions:
Chuvash polycythemia. Also called: POLYCYTHEMIA, VHL-DEPENDENT. Identifiers: Orphanet 238557, MedGen C1837915, MONDO:0009892, OMIM 263400.
Von Hippel-Lindau syndrome (VHLS). Also called: VHL syndrome; Von Hippel-Lindau; von Hippel–Lindau syndrome. Identifiers: Orphanet 892, MedGen C0019562, MONDO:0008667, OMIM 193300. Disease mechanism: loss of function.

Submission:

Labcorp Genetics (formerly Invitae), Labcorp
Classification: Uncertain significance for Von Hippel-Lindau syndrome; Chuvash polycythemia. Last evaluated: 2025-01-13. Review status: criteria provided, single submitter. Criteria: Invitae Variant Classification Sherloc (09022015). Collection method: clinical testing. Allele origin: germline.
Comment: This sequence change falls in intron 1 of the VHL gene. It is not expected to change the encoded amino acid sequence of the VHL protein. However, this sequence change falls within a cryptic exon in the VHL gene, known as exon E1’, which is naturally expressed at low levels in several human tissues (PMID: 29891534). This variant is not present in population databases (gnomAD no frequency). This variant has not been reported in the literature in individuals affected with VHL-related conditions. ClinVar contains an entry for this variant (Variation ID: 849770). Algorithms developed to predict the effect of sequence changes on RNA splicing suggest that this variant is not likely to affect RNA splicing. In summary, the available evidence is currently insufficient to determine the role of this variant in disease. Therefore, it has been classified as a Variant of Uncertain Significance.

Literature cited by the submitters: PubMed 29891534.